The following is an entry in ClinVar:

NM_001004320.2(AGMO):c.1314dup (p.Leu439fs)

Gene: AGMO (alkylglycerol monooxygenase; minus strand). Cytogenetic location: 7p21.2.
Variant type: Duplication.
Coding change: c.1314dup on transcript NM_001004320.2 (MANE Select); coding-DNA position 1314, one base duplicated (A; older notation c.1314dupA).
Protein change: p.Leu439fs; shifts the reading frame from leucine 439.
Molecular consequence: frameshift variant.
Genome position (GRCh38, 1-based): chr7:15,201,309, T duplicated on the plus strand (A on the coding strand, the reverse complement: AGMO is on the minus strand); the first of 2 consecutive T bases (chr7:15,201,309-15,201,310); duplicating either gives the same sequence. VCF-style (leftmost placement, unchanged base first): chr7-15201308-G-GT. GRCh37 (hg19) VCF-style: chr7-15240933-G-GT.
Other names: short protein forms L439fs.
Identifiers: ClinVar variation 4074314 (VCV004074314.1).

ClinVar aggregate classification (germline): Uncertain significance (1 of 4 stars; one submission).

Submission:

GeneDx
Classification: Uncertain significance. Last evaluated: 2025-02-10. Review status: criteria provided, single submitter. Criteria: GeneDx Variant Classification Process June 2021. Collection method: clinical testing. Allele origin: germline. Affected: yes.
Comment: Frameshift variant predicted to result in abnormal protein length as the last 7 amino acid(s) are replaced with 9 different amino acid(s); Has not been previously published as pathogenic or benign to our knowledge